The following is an entry in ClinVar:

ClinVar aggregate classification (germline): Benign/Likely benign. Review status: criteria provided, multiple submitters, no conflicts (2 of 4 stars). 4 submissions from 4 submitters: Benign (1); Likely benign (3). Last evaluated 2026-01-06.

Allele frequency attached by ClinVar (database versions not stated): 1000 Genomes Project 0.00020; 1000 Genomes Project 30x 0.00031; ESP Exome Variant Server 0.00069; TOPMed 0.00123.
gnomAD v4.1: 1,803 of 1,614,072 alleles (0.11%); highest among the groups gnomAD compares: Middle Eastern, 0.61%; 6 homozygotes.

Submissions (4):

Labcorp Genetics (formerly Invitae), Labcorp
Classification: Likely benign. Last evaluated: 2026-01-06. Review status: criteria provided, single submitter. Criteria: Invitae Variant Classification Sherloc (09022015). Collection method: clinical testing. Allele origin: germline.

CeGaT Center for Human Genetics Tuebingen
Classification: Likely benign. Last evaluated: 2025-02-01. Review status: criteria provided, single submitter. Criteria: CeGaT Center For Human Genetics Tuebingen Variant Classification Criteria Version 2. Collection method: clinical testing. Allele origin: germline. Affected: yes. Observed: 1 variant allele.
Comment: ATRIP: BP4, BS2

Ambry Genetics
Classification: Benign. Last evaluated: 2024-10-28. Review status: criteria provided, single submitter. Criteria: Ambry Variant Classification Scheme 2023. Collection method: clinical testing. Allele origin: germline.

Breakthrough Genomics
Classification: Likely benign. Review status: criteria provided, single submitter. Criteria: ACMG Guidelines, 2015. Collection method: not provided. Allele origin: germline. Inheritance: Unknown mechanism. Affected: yes.

NM_130384.3(ATRIP):c.2131G>A (p.Asp711Asn)

Genes: ATRIP (ATR interacting protein; plus strand), ATRIP-TREX1 (ATRIP-TREX1 readthrough; plus strand). Cytogenetic location: 3p21.31.
Variant type: single nucleotide variant.
Coding change: c.2131G>A on transcript NM_130384.3 (MANE Select); coding-DNA position 2131, G replaced by A.
Protein change: p.Asp711Asn; replaces aspartic acid 711 with asparagine.
Molecular consequence: missense variant. On other transcripts: non-coding transcript variant (1).
Genome position (GRCh38, 1-based): chr3:48,464,906, G>A. VCF-style: chr3-48464906-G-A. GRCh37 (hg19) VCF-style: chr3-48506305-G-A.
Other names: c.1750G>A, p.Asp584Asn (NM_001271022.2); c.1852G>A, p.Asp618Asn (NM_001271023.2); c.2050G>A, p.Asp684Asn (NM_032166.4); c.2131G>A (NM_130384.1); short protein forms D684N, D584N, D618N, D711N.
Identifiers: ClinVar variation 779415 (VCV000779415.24), dbSNP rs72556553, ClinGen allele CA2376407.
Genomic context (GRCh38, chr3:48,464,906, plus strand): 5'-ACGGTGATGTTGCACAGACAGTGGCTGACAGTGCGGAGGGCAGGGGGACCCCCAAGGACC[G>A]ACCAGCAGAGGCGGACAGTGCGCTGTCTGCGGGACACGGTGCTGCTGCTGCACGGCCTAT-3'
Protein context (NP_569055.1, residues 701-721): VRRAGGPPRT[Asp711Asn]QQRRTVRCLR